The following is an entry in ClinVar:

NM_000545.8(HNF1A):c.163G>A (p.Gly55Arg)

Gene: HNF1A (HNF1 homeobox A; plus strand). Cytogenetic location: 12q24.31.
Variant type: single nucleotide variant.
Coding change: c.163G>A on transcript NM_000545.8 (MANE Select); coding-DNA position 163, G replaced by A.
Protein change: p.Gly55Arg; replaces glycine 55 with arginine.
Molecular consequence: missense variant.
Genome position (GRCh38, 1-based): chr12:120,978,931, G>A. VCF-style: chr12-120978931-G-A. GRCh37 (hg19) VCF-style: chr12-121416734-G-A.
Other names: c.163G>A, p.Gly55Arg (NM_001306179.2, NM_001406915.1); short protein forms G55R.
Identifiers: ClinVar variation 4885769 (VCV004885769.2).

ClinVar aggregate classification (germline): Uncertain significance (1 of 4 stars; one submission).

Submission:

Dasa
Classification: Uncertain significance. Last evaluated: 2024-11-20. Review status: criteria provided, single submitter. Criteria: DASA Assertion Criteria. Collection method: clinical testing. Allele origin: germline.
Comment: NM_000545.8(HNF1A):c.163G>A (p.Gly55Arg) is a missense variant that results in the substitution of glycine with arginine. This variant is absent from population databases. The currently available literature and clinical evidence are not sufficient to establish a definitive association between this variant and the reported condition. Therefore, this variant is classified as a variant of uncertain significance.